The following is an entry in ClinVar:

NM_001370658.1(BTD):c.163G>T (p.Ala55Ser)

Gene: BTD (biotinidase; plus strand). Cytogenetic location: 3p25.1.
Variant type: single nucleotide variant.
Coding change: c.163G>T on transcript NM_001370658.1 (MANE Select); coding-DNA position 163, G replaced by T.
Protein change: p.Ala55Ser; replaces alanine 55 with serine.
Molecular consequence: missense variant.
Genome position (GRCh38, 1-based): chr3:15,635,602, G>T. VCF-style: chr3-15635602-G-T. GRCh37 (hg19) VCF-style: chr3-15677109-G-T.
Other names: c.223G>T (NM_000060.2); c.163G>T, p.Ala55Ser (NM_001281723.4, NM_001281724.3, NM_001281725.3 and 37 more transcripts); short protein forms A55S.
Identifiers: ClinVar variation 2501355 (VCV002501355.1), dbSNP rs763118135, ClinGen allele CA351603450.
Genomic context (GRCh38, chr3:15,635,602, plus strand): 5'-GCTGAATATTATGTGGCTGCCGTGTATGAGCATCCATCCATCCTGAGTCTGAACCCTCTG[G>T]CTCTCATCAGCCGCCAAGAGGCCTTGGAGCTCATGAACCAGAACCTTGACATCTATGAAC-3'
Protein context (NP_001357587.1, residues 45-65): HPSILSLNPL[Ala55Ser]LISRQEALEL

ClinVar aggregate classification (germline): Uncertain significance (1 of 4 stars; one submission).

Allele frequency attached by ClinVar (database versions not stated): gnomAD exomes 0.00001.
gnomAD v4.1: 5 of 1,614,164 alleles (0.00031%); highest among the groups gnomAD compares: Non-Finnish European, 0.00042%; no homozygotes.

Submission:

GeneDx
Classification: Uncertain significance. Last evaluated: 2022-11-02. Review status: criteria provided, single submitter. Criteria: GeneDx Variant Classification Process June 2021. Collection method: clinical testing. Allele origin: germline. Affected: yes.
Comment: Not observed at significant frequency in large population cohorts (gnomAD); In silico analysis supports that this missense variant has a deleterious effect on protein structure/function; Has not been previously published as pathogenic or benign to our knowledge